The following is an entry in ClinVar:

NM_000844.4(GRM7):c.1501G>A (p.Glu501Lys)

Gene: GRM7 (glutamate metabotropic receptor 7; plus strand). Cytogenetic location: 3p26.1.
Variant type: single nucleotide variant.
Coding change: c.1501G>A on transcript NM_000844.4 (MANE Select); coding-DNA position 1501, G replaced by A.
Protein change: p.Glu501Lys; replaces glutamic acid 501 with lysine.
Molecular consequence: missense variant.
Genome position (GRCh38, 1-based): chr3:7,461,708, G>A. VCF-style: chr3-7461708-G-A. GRCh37 (hg19) VCF-style: chr3-7503395-G-A.
Other names: c.1501G>A (NM_000844.3); c.1501G>A, p.Glu501Lys (NM_181874.3); short protein forms E501K.
Identifiers: ClinVar variation 1522125 (VCV001522125.25), dbSNP rs142681070, ClinGen allele CA2234920.

ClinVar aggregate classification (germline): Uncertain significance. Review status: criteria provided, multiple submitters, no conflicts (2 of 4 stars). 3 submissions from 3 submitters: Uncertain significance (3). Last evaluated 2026-01-05.

Conditions:
Inborn genetic diseases. Identifiers: MedGen C0950123, MeSH D030342.

Allele frequency attached by ClinVar (database versions not stated): TOPMed 0.00011; ESP Exome Variant Server 0.00015; ExAC 0.00021; gnomAD 0.00032.
gnomAD v4.1: 401 of 1,613,696 alleles (0.025%); highest among the groups gnomAD compares: Non-Finnish European, 0.028%; no homozygotes.

Submissions (3):

Labcorp Genetics (formerly Invitae), Labcorp
Classification: Uncertain significance. Last evaluated: 2026-01-05. Review status: criteria provided, single submitter. Criteria: Invitae Variant Classification Sherloc (09022015). Collection method: clinical testing. Allele origin: germline.
Comment: This sequence change replaces glutamic acid, which is acidic and polar, with lysine, which is basic and polar, at codon 501 of the GRM7 protein (p.Glu501Lys). This variant is present in population databases (rs142681070, gnomAD 0.07%). This variant has not been reported in the literature in individuals affected with GRM7-related conditions. ClinVar contains an entry for this variant (Variation ID: 1522125). Invitae Evidence Modeling of protein sequence and biophysical properties (such as structural, functional, and spatial information, amino acid conservation, physicochemical variation, residue mobility, and thermodynamic stability) indicates that this missense variant is not expected to disrupt GRM7 protein function with a negative predictive value of 80%. In summary, the available evidence is currently insufficient to determine the role of this variant in disease. Therefore, it has been classified as a Variant of Uncertain Significance.

CeGaT Center for Human Genetics Tuebingen
Classification: Uncertain significance. Last evaluated: 2024-04-01. Review status: criteria provided, single submitter. Criteria: CeGaT Center For Human Genetics Tuebingen Variant Classification Criteria Version 2. Collection method: clinical testing. Allele origin: germline. Affected: yes. Observed: 1 variant allele.
Comment: GRM7: PM2

Ambry Genetics
Classification: Uncertain significance for Inborn genetic diseases. Last evaluated: 2022-08-26. Review status: criteria provided, single submitter. Criteria: Ambry Variant Classification Scheme 2023. Collection method: clinical testing. Allele origin: germline.